The following is an entry in ClinVar:

NM_001776.6(ENTPD1):c.1462C>G (p.Leu488Val)

Genes: ENTPD1 (ectonucleoside triphosphate diphosphohydrolase 1; plus strand), ENTPD1-AS1 (ENTPD1 antisense RNA 1; minus strand). Cytogenetic location: 10q24.1.
Variant type: single nucleotide variant.
Coding change: c.1462C>G on transcript NM_001776.6 (MANE Select); coding-DNA position 1462, C replaced by G.
Protein change: p.Leu488Val; replaces leucine 488 with valine.
Molecular consequence: missense variant. On other transcripts: intron variant (1).
Genome position (GRCh38, 1-based): chr10:95,866,312, C>G. VCF-style: chr10-95866312-C-G. GRCh37 (hg19) VCF-style: chr10-97626069-C-G.
Other names: c.1483C>G, p.Leu495Val (NM_001098175.2); c.1498C>G, p.Leu500Val (NM_001164178.1); c.1339C>G, p.Leu447Val (NM_001164179.2); c.1138C>G, p.Leu380Val (NM_001164181.1, NM_001312654.1); c.1048C>G, p.Leu350Val (NM_001164182.2, NM_001164183.2); c.1362+1451C>G (NM_001320916.1); short protein forms L380V, L488V, L495V, L447V, L500V, L350V.
Identifiers: ClinVar variation 654238 (VCV000654238.10), dbSNP rs1434376009, ClinGen allele CA377825015.

ClinVar aggregate classification (germline): Uncertain significance. Review status: criteria provided, multiple submitters, no conflicts (2 of 4 stars). 2 submissions from 2 submitters: Uncertain significance (2). Last evaluated 2023-05-09.

Conditions:
Hereditary spastic paraplegia 64. Also called: Spastic paraplegia 64, autosomal recessive; ENTPD1-Related Neurodevelopmental Disorder. Identifiers: Orphanet 401810, MedGen C3810289, MONDO:0014303, OMIM 615683.
Inborn genetic diseases. Identifiers: MedGen C0950123, MeSH D030342.

Allele frequency attached by ClinVar (database versions not stated): TOPMed below 0.00001; gnomAD 0.00001.
gnomAD v4.1: 2 of 1,614,050 alleles (0.00012%); highest among the groups gnomAD compares: Non-Finnish European, 0.00017%; no homozygotes.

Submissions (2):

Ambry Genetics
Classification: Uncertain significance for Inborn genetic diseases. Last evaluated: 2023-05-09. Review status: criteria provided, single submitter. Criteria: Ambry Variant Classification Scheme 2023. Collection method: clinical testing. Allele origin: germline.

Labcorp Genetics (formerly Invitae), Labcorp
Classification: Uncertain significance for Hereditary spastic paraplegia 64. Last evaluated: 2018-12-18. Review status: criteria provided, single submitter. Criteria: Invitae Variant Classification Sherloc (09022015). Collection method: clinical testing. Allele origin: germline.
Comment: Algorithms developed to predict the effect of missense changes on protein structure and function are either unavailable or do not agree on the potential impact of this missense change (SIFT: "Deleterious"; PolyPhen-2: "Possibly Damaging"; Align-GVGD: "Class C15"). This variant has not been reported in the literature in individuals with ENTPD1-related conditions. This variant is not present in population databases (ExAC no frequency). This sequence change replaces leucine with valine at codon 488 of the ENTPD1 protein (p.Leu488Val). The leucine residue is highly conserved and there is a small physicochemical difference between leucine and valine. In summary, the available evidence is currently insufficient to determine the role of this variant in disease. Therefore, it has been classified as a Variant of Uncertain Significance.